The following is an entry in ClinVar:

NM_001083116.3(PRF1):c.*366C>T

Gene: PRF1 (perforin 1; minus strand). Cytogenetic location: 10q22.1.
Variant type: single nucleotide variant.
Coding change: c.*366C>T on transcript NM_001083116.3 (MANE Select); 366 bases downstream of the stop codon, C replaced by T.
Molecular consequence: 3 prime UTR variant.
Genome position (GRCh38, 1-based): chr10:70,597,687, G>A on the plus strand (C>T on the coding strand, the complement: PRF1 is on the minus strand). VCF-style: chr10-70597687-G-A. GRCh37 (hg19) VCF-style: chr10-72357443-G-A.
Other names: c.*366C>T (NM_005041.6).
Identifiers: ClinVar variation 879861 (VCV000879861.4), dbSNP rs139298157, ClinGen allele CA209365782.
Genomic context (GRCh38, chr10:70,597,687, plus strand): 5'-TGCAGGGCTTGAGAATGGCGGAGGGCTTAGGCAGTTTGGACAGGGTGAATCGGGATTAGC[G>A]TGTAAACCCAGCCACCTCCCTGAAAAACAGTCTGAATCTCCCTTTTCCATCTGTCTGATG-3'

ClinVar aggregate classification (germline): Likely benign (1 of 4 stars; one submission).

Conditions:
Familial hemophagocytic lymphohistiocytosis 2 (FHL2). Also called: PRF1-Related Familial Hemophagocytic Lymphohistiocytosis (PRF1-fHLH). Identifiers: Orphanet 540, MedGen C1863727, MONDO:0011337, OMIM 603553.

Allele frequency attached by ClinVar (database versions not stated): gnomAD 0.00394 and 0.00419; 1000 Genomes Project 0.00399; TOPMed 0.00413; 1000 Genomes Project 30x 0.00453.
gnomAD v4.1: 821 of 595,228 alleles (0.14%); highest among the groups gnomAD compares: African/African-American, 1.4%; 6 homozygotes.

Submission:

Illumina Laboratory Services, Illumina
Classification: Likely benign for Familial hemophagocytic lymphohistiocytosis 2. Last evaluated: 2017-04-27. Review status: criteria provided, single submitter. Criteria: ICSL Variant Classification Criteria 13 December 2019. Collection method: clinical testing. Allele origin: germline.
Comment: This variant was observed as part of a predisposition screen in an ostensibly healthy population. A literature search was performed for the gene, cDNA change, and amino acid change (where applicable). No publications were found based on this search. Allele frequency data from public databases allowed determination this variant is unlikely to cause disease. Therefore, this variant is classified as likely benign.